The following is an entry in ClinVar:

NM_014314.4(RIGI):c.202G>C (p.Gly68Arg)

Gene: RIGI (RNA sensor RIG-I; minus strand). Cytogenetic location: 9p21.1.
Variant type: single nucleotide variant.
Coding change: c.202G>C on transcript NM_014314.4 (MANE Select); coding-DNA position 202, G replaced by C.
Protein change: p.Gly68Arg; replaces glycine 68 with arginine.
Molecular consequence: missense variant. On other transcripts: 5 prime UTR variant (3).
Genome position (GRCh38, 1-based): chr9:32,500,844, C>G on the plus strand (G>C on the coding strand, the complement: RIGI is on the minus strand). VCF-style: chr9-32500844-C-G. GRCh37 (hg19) VCF-style: chr9-32500842-C-G.
Other names: c.202G>C, p.Gly68Arg (NM_001385907.1, NM_001385909.1, NM_001385913.1); c.-253G>C (NM_001385910.1, NM_001385914.1); c.-260G>C (NM_001385912.1); short protein forms G68R.
Identifiers: ClinVar variation 2876824 (VCV002876824.3), dbSNP rs754398715, ClinGen allele CA373143014.

ClinVar aggregate classification (germline): Uncertain significance (1 of 4 stars; one submission).

gnomAD v4.1: 5 of 1,614,146 alleles (0.00031%); highest among the groups gnomAD compares: East Asian, 0.0089%; no homozygotes.

Submission:

Labcorp Genetics (formerly Invitae), Labcorp
Classification: Uncertain significance. Last evaluated: 2023-10-22. Review status: criteria provided, single submitter. Criteria: Invitae Variant Classification Sherloc (09022015). Collection method: clinical testing. Allele origin: germline.
Comment: This sequence change replaces glycine, which is neutral and non-polar, with arginine, which is basic and polar, at codon 68 of the DDX58 protein (p.Gly68Arg). This variant is present in population databases (no rsID available, gnomAD 0.02%). This variant has not been reported in the literature in individuals affected with DDX58-related conditions. An algorithm developed to predict the effect of missense changes on protein structure and function (PolyPhen-2) suggests that this variant is likely to be disruptive. In summary, the available evidence is currently insufficient to determine the role of this variant in disease. Therefore, it has been classified as a Variant of Uncertain Significance.